The following is an entry in ClinVar:

NM_018699.4(PRDM5):c.1213C>A (p.Gln405Lys)

Gene: PRDM5 (PR/SET domain 5; minus strand). Cytogenetic location: 4q27.
Variant type: single nucleotide variant.
Coding change: c.1213C>A on transcript NM_018699.4 (MANE Select); coding-DNA position 1213, C replaced by A.
Protein change: p.Gln405Lys; replaces glutamine 405 with lysine.
Molecular consequence: missense variant.
Genome position (GRCh38, 1-based): chr4:120,785,067, G>T on the plus strand (C>A on the coding strand, the complement: PRDM5 is on the minus strand). VCF-style: chr4-120785067-G-T. GRCh37 (hg19) VCF-style: chr4-121706222-G-T.
Other names: c.1120C>A, p.Gln374Lys (NM_001300823.2, NM_001300824.2, NM_001379106.1); c.1246C>A, p.Gln416Lys (NM_001379104.1); short protein forms Q405K, Q416K, Q374K.
Identifiers: ClinVar variation 3783075 (VCV003783075.1).

ClinVar aggregate classification (germline): Uncertain significance (1 of 4 stars; one submission).

Conditions:
Cardiovascular phenotype. Identifiers: MedGen CN230736.

Submission:

Ambry Genetics
Classification: Uncertain significance for Cardiovascular phenotype. Last evaluated: 2025-01-07. Review status: criteria provided, single submitter. Criteria: Ambry Variant Classification Scheme 2023. Collection method: clinical testing. Allele origin: germline.
Comment: The p.Q405K variant (also known as c.1213C>A), located in coding exon 11 of the PRDM5 gene, results from a C to A substitution at nucleotide position 1213. The glutamine at codon 405 is replaced by lysine, an amino acid with similar properties. This amino acid position is conserved. In addition, this alteration is predicted to be tolerated by in silico analysis. Based on the available evidence, the clinical significance of this variant remains unclear.